The following is an entry in ClinVar:

NM_000536.4(RAG2):c.53G>T (p.Gly18Val)

Gene: RAG2 (recombination activating 2; minus strand). Cytogenetic location: 11p12.
Variant type: single nucleotide variant.
Coding change: c.53G>T on transcript NM_000536.4 (MANE Select); coding-DNA position 53, G replaced by T.
Protein change: p.Gly18Val; replaces glycine 18 with valine.
Molecular consequence: missense variant.
Genome position (GRCh38, 1-based): chr11:36,594,116, C>A on the plus strand (G>T on the coding strand, the complement: RAG2 is on the minus strand). VCF-style: chr11-36594116-C-A. GRCh37 (hg19) VCF-style: chr11-36615666-C-A.
Other names: NM_000536.4(RAG2):c.53G>T; p.Gly18Val; c.53G>T, p.Gly18Val (NM_001243785.2, NM_001243786.2); short protein forms G18V.
Identifiers: ClinVar variation 857533 (VCV000857533.11), dbSNP rs1851106893, ClinGen allele CA380144975.

ClinVar aggregate classification (germline): Uncertain significance. Review status: reviewed by expert panel (3 of 4 stars). 2 submissions from 2 submitters: Uncertain significance (1). 1 of the submissions does not count toward it. Last evaluated 2024-05-01.

Conditions:
Combined immunodeficiency with skin granulomas. Identifiers: Orphanet 157949, MedGen C2673536, MONDO:0009306, OMIM 233650.
Severe combined immunodeficiency, autosomal recessive, T cell-negative, B cell-negative, NK cell-positive. Also called: SCID, AR, T-cell negative, B-cell negative, NK cell-positive; SCID, T CELL-NEGATIVE, B CELL-NEGATIVE, NK CELL-POSITIVE; Severe combined immunodeficiency due to complete RAG1/2 deficiency. Identifiers: Orphanet 331206, MedGen C1832322, MONDO:0011086, OMIM 601457.
Recombinase activating gene 2 deficiency. Also called: RAG2 deficiency. Identifiers: MedGen CN257931, MONDO:0000573.

Allele frequency attached by ClinVar (database versions not stated): TOPMed below 0.00001; gnomAD 0.00001.
gnomAD v4.1: 1 of 1,613,942 alleles (0.000062%); highest among the groups gnomAD compares: African/African-American, 0.0013%; no homozygotes.

Submissions (2):

ClinGen Severe Combined Immunodeficiency Variant Curation Expert Panel, ClinGen
Classification: Uncertain significance for Recombinase activating gene 2 deficiency. Last evaluated: 2024-05-01. Review status: reviewed by expert panel. Criteria: ClinGen SCID ACMG Specifications RAG2 V1.0.0. Collection method: curation. Allele origin: germline. Inheritance: Autosomal recessive inheritance.
Comment: NM_000536.4(RAG2):c.53G>T is a missense variant predicted to cause substitution of Glycine by Valine at amino acid 18 (p.Gly18Val).This missense variant is located in the core domain (amino acids 1-383) (PM1_supporting).The highest population minor allele frequency in gnomAD v4 is 0.00002415(1/41408 alleles) in African/African American population, which is lower than the ClinGen SCID VCEP threshold (<0.0000588) for PM2_Supporting, meeting this criterion (PM2_Supporting). To our knowledge, this variant has not been reported in the literature in individuals affected with RAG2 related conditions or in functional studies. In summary, this variant meets the criteria to be classified as a variant of uncertain significance for autosomal recessive severe combined immunodeficiency due to RAG2 deficiency based on the ACMG/AMP criteria applied, as specified by the ClinGen SCID VCEP: PM1_supporting, PM2_supporting (VCEP specifications version 1).

Labcorp Genetics (formerly Invitae), Labcorp
Classification: Pathogenic for Combined immunodeficiency with skin granulomas; Severe combined immunodeficiency, autosomal recessive, T cell-negative, B cell-negative, NK cell-positive. Last evaluated: 2023-09-08. Review status: criteria provided, single submitter. Criteria: Invitae Variant Classification Sherloc (09022015). Collection method: clinical testing. Allele origin: germline. Not counted in ClinVar's aggregate classification.
Comment: This sequence change replaces glycine, which is neutral and non-polar, with valine, which is neutral and non-polar, at codon 18 of the RAG2 protein (p.Gly18Val). Advanced modeling of protein sequence and biophysical properties (such as structural, functional, and spatial information, amino acid conservation, physicochemical variation, residue mobility, and thermodynamic stability) performed at Invitae indicates that this missense variant is expected to disrupt RAG2 protein function. For these reasons, this variant has been classified as Pathogenic. ClinVar contains an entry for this variant (Variation ID: 857533). This variant is not present in population databases (gnomAD no frequency). This missense change has been observed in individual(s) with clinical features of severe combined immunodeficency (Invitae). In at least one individual the data is consistent with being in trans (on the opposite chromosome) from a pathogenic variant.